The following is an entry in ClinVar:

NM_021831.6(AGBL5):c.841C>T (p.Arg281Cys)

Gene: AGBL5 (AGBL carboxypeptidase 5; plus strand). Cytogenetic location: 2p23.3.
Variant type: single nucleotide variant.
Coding change: c.841C>T on transcript NM_021831.6 (MANE Select); coding-DNA position 841, C replaced by T.
Protein change: p.Arg281Cys; replaces arginine 281 with cysteine.
Molecular consequence: missense variant. On other transcripts: non-coding transcript variant (2).
Genome position (GRCh38, 1-based): chr2:27,055,186, C>T. VCF-style: chr2-27055186-C-T. GRCh37 (hg19) VCF-style: chr2-27278054-C-T.
Other names: c.841C>T, p.Arg281Cys (NM_001035507.3); short protein forms R281C.
Identifiers: ClinVar variation 1036269 (VCV001036269.9), dbSNP rs780394281, ClinGen allele CA1567739.

ClinVar aggregate classification (germline): Conflicting classifications of pathogenicity. Review status: criteria provided, conflicting classifications (1 of 4 stars). 2 submissions from 2 submitters: Pathogenic (1); Uncertain significance (1). Last evaluated 2020-09-23.

Conditions:
AGBL5-related disorder. Also called: AGBL5-related condition.

Allele frequency attached by ClinVar (database versions not stated): gnomAD exomes below 0.00001 and 0.00001; ExAC 0.00001.
gnomAD v4.1: 2 of 1,614,216 alleles (0.00012%); highest among the groups gnomAD compares: Admixed American, 0.0017%; no homozygotes.

Submissions (2):

Labcorp Genetics (formerly Invitae), Labcorp
Classification: Uncertain significance. Last evaluated: 2020-09-23. Review status: criteria provided, single submitter. Criteria: Invitae Variant Classification Sherloc (09022015). Collection method: clinical testing. Allele origin: germline.
Comment: In summary, the currently available evidence indicates that the variant is pathogenic, but additional data are needed to prove that conclusively. Therefore, this variant has been classified as Likely Pathogenic. Algorithms developed to predict the effect of missense changes on protein structure and function (SIFT, PolyPhen-2, Align-GVGD) all suggest that this variant is likely to be disruptive, but these predictions have not been confirmed by published functional studies and their clinical significance is uncertain. This variant has been observed in individual(s) with retinitis pigmentosa (PMID: 27764769). It has also been observed to segregate with disease in related individuals. This variant is present in population databases (rs780394281, ExAC 0.001%). This sequence change replaces arginine with cysteine at codon 281 of the AGBL5 protein (p.Arg281Cys). The arginine residue is highly conserved and there is a large physicochemical difference between arginine and cysteine.

Blueprint Genetics
Classification: Pathogenic for AGBL5-related disorders. Last evaluated: 2020-08-21. Review status: criteria provided, single submitter. Criteria: ACMG Guidelines, 2015. Collection method: clinical testing. Allele origin: germline. Affected: yes. Observed: 2 variant alleles.

Literature cited by the submitters: PubMed 27764769 (cited by Labcorp Genetics (formerly Invitae), Labcorp).